The following is an entry in ClinVar:

ClinVar aggregate classification (germline): Likely benign. Review status: criteria provided, multiple submitters, no conflicts (2 of 4 stars). 2 submissions from 2 submitters: Likely benign (2). Last evaluated 2024-09-01.

Conditions:
Long QT syndrome (LQTS). Identifiers: MedGen C0023976, MeSH D008133, MONDO:0002442. Disease mechanism: loss of function. Inheritance: Various modes of inheritance.

Allele frequency attached by ClinVar (database versions not stated): ExAC 0.00001; gnomAD exomes 0.00001.

Submissions (2):

CeGaT Center for Human Genetics Tuebingen
Classification: Likely benign. Last evaluated: 2024-09-01. Review status: criteria provided, single submitter. Criteria: CeGaT Center For Human Genetics Tuebingen Variant Classification Criteria Version 2. Collection method: clinical testing. Allele origin: germline. Affected: yes. Observed: 1 variant allele.
Comment: CACNA1C: BP4

Labcorp Genetics (formerly Invitae), Labcorp
Classification: Likely benign for Long QT syndrome. Last evaluated: 2023-05-23. Review status: criteria provided, single submitter. Criteria: Invitae Variant Classification Sherloc (09022015). Collection method: clinical testing. Allele origin: germline.

NM_000719.7(CACNA1C):c.6352C>T (p.Arg2118Cys)

Genes: CACNA1C (calcium voltage-gated channel subunit alpha1 C; plus strand), CACNA1C-AS1 (CACNA1C antisense RNA 1; minus strand). Cytogenetic location: 12p13.33.
Variant type: single nucleotide variant.
Coding change: c.6352C>T on transcript NM_000719.7 (MANE Select); coding-DNA position 6352, C replaced by T.
Protein change: p.Arg2118Cys; replaces arginine 2118 with cysteine.
Molecular consequence: missense variant. On other transcripts: non-coding transcript variant (1).
Genome position (GRCh38, 1-based): chr12:2,691,134, C>T. VCF-style: chr12-2691134-C-T. GRCh37 (hg19) VCF-style: chr12-2800300-C-T.
Other names: c.6457C>T, p.Arg2153Cys (NM_001129830.3, NM_001167624.3); c.6436C>T, p.Arg2146Cys (NM_001129831.2); c.6412C>T, p.Arg2138Cys (NM_001129832.2); c.6409C>T, p.Arg2137Cys (NM_001129833.2, NM_001129834.2, NM_001129835.2); c.6403C>T, p.Arg2135Cys (NM_001129836.2); c.6376C>T, p.Arg2126Cys (NM_001129837.2, NM_001129838.2); c.6370C>T, p.Arg2124Cys (NM_001129839.2); c.6352C>T, p.Arg2118Cys (NM_001129840.2, NM_001129841.2, NM_001129842.2 and 2 more transcripts); and 6 more; short protein forms R2115C, R2153C, R2159C, R2178C, R2137C, R2138C, R2166C, R2107C.
Identifiers: ClinVar variation 2718360 (VCV002718360.17), dbSNP rs769552189, ClinGen allele CA6390130.